The following is an entry in ClinVar:

NM_001754.5(RUNX1):c.765C>T (p.His255=)

Gene: RUNX1 (RUNX family transcription factor 1; minus strand). Cytogenetic location: 21q22.12.
Variant type: single nucleotide variant.
Coding change: c.765C>T on transcript NM_001754.5 (MANE Select); coding-DNA position 765, C replaced by T.
Protein change: p.His255=; no amino-acid change (histidine 255 retained).
Molecular consequence: synonymous variant.
Genome position (GRCh38, 1-based): chr21:34,834,450, G>A on the plus strand (C>T on the coding strand, the complement: RUNX1 is on the minus strand). VCF-style: chr21-34834450-G-A. GRCh37 (hg19) VCF-style: chr21-36206747-G-A.
Other names: NM_001754.5(RUNX1):c.765C>T; p.His255=; c.684C>T, p.His228= (NM_001001890.3, NM_001122607.2).
Identifiers: ClinVar variation 2090169 (VCV002090169.7), dbSNP rs2146074929, ClinGen allele CA512318576.
Genomic context (GRCh38, chr21:34,834,450, plus strand): 5'-GGGCTCCATCTGGTACTTACCCTGCATCTGACTCTGAGGCTGAGGGTTAAAGGCAGTGGA[G>A]TGGTTCAGGGAGGCACGAGGGTTGGGCGTGGGGGCTGGGTGGTGTGGGCTGACCCTCATG-3'
Protein context (NP_001745.2, residues 245-265): PTPNPRASLN[His255=]STAFNPQPQS

ClinVar aggregate classification (germline): Likely benign. Review status: reviewed by expert panel (3 of 4 stars). 2 submissions from 2 submitters: Likely benign (1). 1 of the submissions does not count toward it. Last evaluated 2026-04-29.

Conditions:
Hereditary thrombocytopenia and hematologic cancer predisposition syndrome. Identifiers: Orphanet 71290, MedGen CN281654, MONDO:0011071.
Hereditary thrombocytopenia and hematological cancer predisposition syndrome associated with RUNX1. Also called: Familial Platelet Disorder with Propensity to Acute Myelogenous Leukemia; Familial thrombocytopenia with propensity to acute myelogenous leukemia; PLATELET DISORDER, ASPIRIN-LIKE; RUNX1 Familial Platelet Disorder with Associated Myeloid Malignancies. Identifiers: Orphanet 71290, MedGen C1832388, MeSH C563324, MONDO:0100083, OMIM 601399.

gnomAD v4.1: 1 of 1,610,554 alleles (0.000062%); no homozygotes.

Submissions (2):

ClinGen Myeloid Malignancy Variant Curation Expert Panel
Classification: Likely benign for Hereditary thrombocytopenia and hematologic cancer predisposition syndrome. Last evaluated: 2026-04-29. Review status: reviewed by expert panel. Criteria: ClinGen MyeloMalig ACMG Specifications V3.1. Collection method: curation. Allele origin: germline. Inheritance: Autosomal dominant inheritance.
Comment: NM_001754.5(RUNX1):c.765C>T (p.His255=) is a synonymous variant which has a SpliceAI score ≤ 0.20 (0.03) (BP4, BP7). This variant has a MAF ≤ 0.00005 in gnomAD v4 across all subpopulations with at least 20X coverage for RUNX1 (PM2_supporting). In summary, this variant meets criteria to be classified as likely benign. ACMG/AMP criteria applied, as specified by the Myeloid Malignancy Variant Curation Expert Panel for RUNX1: BP4, BP7, PM2_supporting.

Labcorp Genetics (formerly Invitae), Labcorp
Classification: Likely benign for Hereditary thrombocytopenia and hematological cancer predisposition syndrome associated with RUNX1. Last evaluated: 2022-07-06. Review status: criteria provided, single submitter. Criteria: Invitae Variant Classification Sherloc (09022015). Collection method: clinical testing. Allele origin: germline. Not counted in ClinVar's aggregate classification.